The following is an entry in ClinVar:

ClinVar aggregate classification (germline): Uncertain significance. Review status: criteria provided, multiple submitters, no conflicts (2 of 4 stars). 2 submissions from 2 submitters: Uncertain significance (2). Last evaluated 2022-11-07.

Conditions:
Congenital muscular dystrophy due to integrin alpha-7 deficiency. Also called: MYOPATHY, CONGENITAL, DUE TO INTEGRIN ALPHA-7 DEFICIENCY; Congenital muscular dystrophy with integrin alpha-7 deficiency; Muscular dystrophy, congenital, due to ITGA7 deficiency. Identifiers: Orphanet 34520, MedGen C2750786, MONDO:0013177, OMIM 613204.

Allele frequency attached by ClinVar (database versions not stated): gnomAD exomes below 0.00001.
gnomAD v4.1: 1 of 1,614,240 alleles (0.000062%); highest among the groups gnomAD compares: Middle Eastern, 0.016%; no homozygotes.

Submissions (2):

Ambry Genetics
Classification: Uncertain significance. Last evaluated: 2022-11-07. Review status: criteria provided, single submitter. Criteria: Ambry Variant Classification Scheme 2023. Collection method: clinical testing. Allele origin: germline.

Labcorp Genetics (formerly Invitae), Labcorp
Classification: Uncertain significance for Muscular dystrophy, congenital, due to integrin alpha-7 deficiency. Last evaluated: 2018-11-08. Review status: criteria provided, single submitter. Criteria: Invitae Variant Classification Sherloc (09022015). Collection method: clinical testing. Allele origin: germline.
Comment: This sequence change replaces threonine with alanine at codon 201 of the ITGA7 protein (p.Thr201Ala). The threonine residue is moderately conserved and there is a small physicochemical difference between threonine and alanine. This variant is not present in population databases (ExAC no frequency). This variant has not been reported in the literature in individuals with ITGA7-related disease. Algorithms developed to predict the effect of missense changes on protein structure and function output the following: SIFT: "Tolerated"; PolyPhen-2: "Benign"; Align-GVGD: "Class C0". The alanine amino acid residue is found in multiple mammalian species, suggesting that this missense change does not adversely affect protein function. These predictions have not been confirmed by published functional studies and their clinical significance is uncertain. In summary, the available evidence is currently insufficient to determine the role of this variant in disease. Therefore, it has been classified as a Variant of Uncertain Significance.

NM_002206.3(ITGA7):c.601A>G (p.Thr201Ala)

Gene: ITGA7 (integrin subunit alpha 7; minus strand). Cytogenetic location: 12q13.2.
Variant type: single nucleotide variant.
Coding change: c.601A>G on transcript NM_002206.3 (MANE Select); coding-DNA position 601, A replaced by G.
Protein change: p.Thr201Ala; replaces threonine 201 with alanine.
Molecular consequence: missense variant. On other transcripts: 5 prime UTR variant (1).
Genome position (GRCh38, 1-based): chr12:55,700,968, T>C on the plus strand (A>G on the coding strand, the complement: ITGA7 is on the minus strand). VCF-style: chr12-55700968-T-C. GRCh37 (hg19) VCF-style: chr12-56094752-T-C.
Other names: c.601A>G, p.Thr201Ala (NM_001144996.2, NM_001374465.1, NM_001410977.1 and 5 more transcripts); c.310A>G, p.Thr104Ala (NM_001144997.2); c.262A>G, p.Thr88Ala (NM_001367993.1, NM_001414035.1); c.-572A>G (NM_001367994.1); c.418A>G, p.Thr140Ala (NM_001414033.1); short protein forms T201A, T104A, T88A, T140A.
Identifiers: ClinVar variation 647220 (VCV000647220.3), dbSNP rs1592466319, ClinGen allele CA385192065.